The following is an entry in ClinVar:

NM_003000.3(SDHB):c.201A>G (p.Lys67=)

Gene: SDHB (succinate dehydrogenase complex iron sulfur subunit B; minus strand). Cytogenetic location: 1p36.13.
Variant type: single nucleotide variant.
Coding change: c.201A>G on transcript NM_003000.3 (MANE Select); coding-DNA position 201, A replaced by G.
Protein change: p.Lys67=; no amino-acid change (lysine 67 retained).
Molecular consequence: synonymous variant.
Genome position (GRCh38, 1-based): chr1:17,033,145, T>C on the plus strand (A>G on the coding strand, the complement: SDHB is on the minus strand). VCF-style: chr1-17033145-T-C. GRCh37 (hg19) VCF-style: chr1-17359640-T-C.
Identifiers: ClinVar variation 1019887 (VCV001019887.7), dbSNP rs1436421650, ClinGen allele CA416089622.
Genomic context (GRCh38, chr1:17,033,145, plus strand): 5'-CAAAGTAGAGTCAACTTCATTCTTAATCTTGATTAAAGCATCCAATACCATGGGGCCACA[T>C]CTAACAAAGAAAAATATCCAGTGGTATTTATGTAACGTTCAACCTCCCTACACTTTATCA-3'
Protein context (NP_002991.2, residues 57-77): HMQTYEVDLN[Lys67=]CGPMVLDALI

ClinVar aggregate classification (germline): Conflicting classifications of pathogenicity. Review status: criteria provided, conflicting classifications (1 of 4 stars). 2 submissions from 2 submitters: Uncertain significance (1); Likely benign (1). Last evaluated 2024-09-04.

Conditions:
Pheochromocytoma. Also called: MAX-Related Hereditary Paraganglioma-Pheochromocytoma Syndrome. Identifiers: Orphanet 29072, MedGen C0031511, MONDO:0008233, OMIM 171300, HP:0002666.
Gastrointestinal stromal tumor. Also called: Gastrointestinal stromal tumor, somatic; Gastrointestinal stroma tumor. Identifiers: Orphanet 44890, MedGen C0238198, MeSH D046152, MONDO:0011719, OMIM 606764, HP:0100723.
Pheochromocytoma/paraganglioma syndrome 4. Also called: CAROTID BODY TUMORS AND MULTIPLE EXTRAADRENAL PHEOCHROMOCYTOMAS; SDHB-Related Hereditary Paraganglioma-Pheochromocytoma Syndrome (Paragangliomas 4); Paragangliomas 4; SDHB-Related Hereditary Paraganglioma-Pheochromocytoma Syndrome; PARAGANGLIOMA, FAMILIAL MALIGNANT; PARAGANGLIOMAS, HEREDITARY EXTRAADRENAL. Identifiers: Orphanet 29072, MedGen C1861848, MONDO:0007273, OMIM 115310.
Hereditary cancer-predisposing syndrome. Also called: Tumor predisposition; Neoplastic Syndromes, Hereditary; Hereditary neoplastic syndrome; Hereditary Cancer Syndrome. Identifiers: Orphanet 140162, MedGen C0027672, MeSH D009386, MONDO:0015356.

Allele frequency attached by ClinVar (database versions not stated): gnomAD exomes below 0.00001; TOPMed below 0.00001.
gnomAD v4.1: 3 of 1,608,656 alleles (0.00019%); highest among the groups gnomAD compares: Non-Finnish European, 0.00026%; no homozygotes.

Submissions (2):

Labcorp Genetics (formerly Invitae), Labcorp
Classification: Uncertain significance for Gastrointestinal stromal tumor; Pheochromocytoma/paraganglioma syndrome 4; Pheochromocytoma. Last evaluated: 2024-09-04. Review status: criteria provided, single submitter. Criteria: Invitae Variant Classification Sherloc (09022015). Collection method: clinical testing. Allele origin: germline.
Comment: This sequence change affects codon 67 of the SDHB mRNA. It is a 'silent' change, meaning that it does not change the encoded amino acid sequence of the SDHB protein. It affects a nucleotide within the consensus splice site. This variant is not present in population databases (gnomAD no frequency). This variant has not been reported in the literature in individuals affected with SDHB-related conditions. ClinVar contains an entry for this variant (Variation ID: 1019887). Algorithms developed to predict the effect of sequence changes on RNA splicing suggest that this variant is not likely to affect RNA splicing. In summary, the available evidence is currently insufficient to determine the role of this variant in disease. Therefore, it has been classified as a Variant of Uncertain Significance.

Ambry Genetics
Classification: Likely benign for Hereditary cancer-predisposing syndrome. Last evaluated: 2019-04-19. Review status: criteria provided, single submitter. Criteria: Ambry Variant Classification Scheme 2023. Collection method: clinical testing. Allele origin: germline.